The following is an entry in ClinVar:

NM_005214.5(CTLA4):c.273G>A (p.Met91Ile)

Gene: CTLA4 (cytotoxic T-lymphocyte associated protein 4; plus strand). Cytogenetic location: 2q33.2.
Variant type: single nucleotide variant.
Coding change: c.273G>A on transcript NM_005214.5 (MANE Select); coding-DNA position 273, G replaced by A.
Protein change: p.Met91Ile; replaces methionine 91 with isoleucine.
Molecular consequence: missense variant.
Genome position (GRCh38, 1-based): chr2:203,870,749, G>A. VCF-style: chr2-203870749-G-A. GRCh37 (hg19) VCF-style: chr2-204735472-G-A.
Other names: c.273G>A, p.Met91Ile (NM_001037631.3); short protein forms M91I.
Identifiers: ClinVar variation 4885289 (VCV004885289.2).

ClinVar aggregate classification (germline): Uncertain significance (1 of 4 stars; one submission).

Submission:

Dasa
Classification: Uncertain significance. Last evaluated: 2024-10-28. Review status: criteria provided, single submitter. Criteria: DASA Assertion Criteria. Collection method: clinical testing. Allele origin: germline.
Comment: NM_005214.5(CTLA4):c.273G>A (p.Met91Ile) is a missense variant that results in the substitution of methionine with isoleucine. This variant is rare in population databases. Computational prediction algorithms are consistent with a benign effect. The currently available literature and clinical evidence are not sufficient to establish a definitive association between this variant and the reported condition. Therefore, this variant is classified as a variant of uncertain significance.